The following is an entry in ClinVar:

NM_000342.4(SLC4A1):c.139C>A (p.His47Asn)

Gene: SLC4A1 (solute carrier family 4 member 1 (Diego blood group); minus strand). Cytogenetic location: 17q21.31.
Variant type: single nucleotide variant.
Coding change: c.139C>A on transcript NM_000342.4 (MANE Select); coding-DNA position 139, C replaced by A.
Protein change: p.His47Asn; replaces histidine 47 with asparagine.
Molecular consequence: missense variant.
Genome position (GRCh38, 1-based): chr17:44,261,604, G>T on the plus strand (C>A on the coding strand, the complement: SLC4A1 is on the minus strand). VCF-style: chr17-44261604-G-T. GRCh37 (hg19) VCF-style: chr17-42338972-G-T.
Other names: short protein forms H47N.
Identifiers: ClinVar variation 4076699 (VCV004076699.1).

ClinVar aggregate classification (germline): Uncertain significance (1 of 4 stars; one submission).

Submission:

GeneDx
Classification: Uncertain significance. Last evaluated: 2025-02-20. Review status: criteria provided, single submitter. Criteria: GeneDx Variant Classification Process June 2021. Collection method: clinical testing. Allele origin: germline. Affected: yes.
Comment: Not observed at significant frequency in large population cohorts (gnomAD); In silico analysis indicates that this missense variant does not alter protein structure/function; Has not been previously published as pathogenic or benign to our knowledge